The following is an entry in ClinVar:

NM_012186.3(FOXE3):c.341A>G (p.Lys114Arg)

Genes: FOXE3 (forkhead box E3; plus strand), LINC01389 (long independently transcribed non-coding RNA 1389; minus strand). Cytogenetic location: 1p33.
Variant type: single nucleotide variant.
Coding change: c.341A>G on transcript NM_012186.3 (MANE Select); coding-DNA position 341, A replaced by G.
Protein change: p.Lys114Arg; replaces lysine 114 with arginine.
Molecular consequence: missense variant.
Genome position (GRCh38, 1-based): chr1:47,416,656, A>G. VCF-style: chr1-47416656-A-G. GRCh37 (hg19) VCF-style: chr1-47882328-A-G.
Other names: short protein forms K114R.
Identifiers: ClinVar variation 1498614 (VCV001498614.8), dbSNP rs2124042559, ClinGen allele CA340249624.
Genomic context (GRCh38, chr1:47,416,656, plus strand): 5'-TGGCCGCCATCTACCGCTTCATCACCGAACGCTTTGCCTTCTACCGCGACAGCCCGCGCA[A>G]GTGGCAGAACAGCATCCGCCACAATCTCACGCTCAACGACTGCTTCGTCAAGGTGCCCCG-3'
Protein context (NP_036318.1, residues 104-124): RFAFYRDSPR[Lys114Arg]WQNSIRHNLT

ClinVar aggregate classification (germline): Uncertain significance (1 of 4 stars; one submission).

Conditions:
Anterior segment dysgenesis. Also called: Ocular anterior segment dysgenesis. Identifiers: Orphanet 88632, MedGen C1862839, MONDO:0019503, HP:0007700.
Congenital primary aphakia. Also called: ANTERIOR SEGMENT DYSGENESIS 2; Anterior segment dysgenesis 2, multiple subtypes. Identifiers: Orphanet 83461, MedGen C1853230, MONDO:0012456, OMIM 610256.

Allele frequency attached by ClinVar (database versions not stated): gnomAD exomes below 0.00001.
gnomAD v4.1: 1 of 1,610,082 alleles (0.000062%); highest among the groups gnomAD compares: South Asian, 0.0011%; no homozygotes.

Submission:

Labcorp Genetics (formerly Invitae), Labcorp
Classification: Uncertain significance for Anterior segment dysgenesis; Congenital primary aphakia. Last evaluated: 2024-07-23. Review status: criteria provided, single submitter. Criteria: Invitae Variant Classification Sherloc (09022015). Collection method: clinical testing. Allele origin: germline.
Comment: This sequence change replaces lysine, which is basic and polar, with arginine, which is basic and polar, at codon 114 of the FOXE3 protein (p.Lys114Arg). This variant is not present in population databases (gnomAD no frequency). This variant has not been reported in the literature in individuals affected with FOXE3-related conditions. ClinVar contains an entry for this variant (Variation ID: 1498614). Advanced modeling of protein sequence and biophysical properties (such as structural, functional, and spatial information, amino acid conservation, physicochemical variation, residue mobility, and thermodynamic stability) has been performed at Invitae for this missense variant, however the output from this modeling did not meet the statistical confidence thresholds required to predict the impact of this variant on FOXE3 protein function. In summary, the available evidence is currently insufficient to determine the role of this variant in disease. Therefore, it has been classified as a Variant of Uncertain Significance.